The following is an entry in ClinVar:

ClinVar aggregate classification (germline): Likely benign (1 of 4 stars; one submission).

Conditions:
Premature ovarian failure 5 (POF5). Identifiers: MedGen C1969060, MONDO:0012689, OMIM 611548.

Allele frequency attached by ClinVar (database versions not stated): TOPMed 0.00003.
gnomAD v4.1: 9 of 1,613,832 alleles (0.00056%); highest among the groups gnomAD compares: Admixed American, 0.013%; no homozygotes.

Submission:

Illumina Laboratory Services, Illumina
Classification: Likely benign for Premature ovarian failure 5. Last evaluated: 2018-01-13. Review status: criteria provided, single submitter. Criteria: ICSL Variant Classification Criteria 13 December 2019. Collection method: clinical testing. Allele origin: germline.
Comment: This variant was observed in the ICSL laboratory as part of a predisposition screen in an ostensibly healthy population. It had not been previously curated by ICSL or reported in the Human Gene Mutation Database (HGMD: prior to June 1st, 2018), and was therefore a candidate for classification through an automated scoring system. Utilizing variant allele frequency, disease prevalence and penetrance estimates, and inheritance mode, an automated score was calculated to assess if this variant is too frequent to cause the disease. Based on the score and internal cut-off values, a variant classified as likely benign is not then subjected to further curation. The score for this variant resulted in a classification of likely benign for this disease.

NM_001080413.3(NOBOX):c.138C>T (p.Tyr46=)

Gene: NOBOX (NOBOX oogenesis homeobox; minus strand). Cytogenetic location: 7q35.
Variant type: single nucleotide variant.
Coding change: c.138C>T on transcript NM_001080413.3; coding-DNA position 138, C replaced by T.
Protein change: p.Tyr46=; no amino-acid change (tyrosine 46 retained).
Genome position (GRCh38, 1-based): chr7:144,404,628, G>A on the plus strand (C>T on the coding strand, the complement: NOBOX is on the minus strand). VCF-style: chr7-144404628-G-A. GRCh37 (hg19) VCF-style: chr7-144101721-G-A.
Other names: NM_001080413.3:c.138C>T.
Identifiers: ClinVar variation 359154 (VCV000359154.5), dbSNP rs370043070, ClinGen allele CA4544949.